The following is an entry in ClinVar:

NM_004387.4(NKX2-5):c.335-1G>C

Gene: NKX2-5 (NK2 homeobox 5; minus strand). Cytogenetic location: 5q35.1.
Variant type: single nucleotide variant.
Coding change: c.335-1G>C on transcript NM_004387.4 (MANE Select); the canonical splice acceptor site of the intron before coding-DNA position 335, G replaced by C.
Molecular consequence: splice acceptor variant. On other transcripts: 3 prime UTR variant (2).
Genome position (GRCh38, 1-based): chr5:173,233,210, C>G on the plus strand (G>C on the coding strand, the complement: NKX2-5 is on the minus strand). VCF-style: chr5-173233210-C-G. GRCh37 (hg19) VCF-style: chr5-172660213-C-G.
Other names: c.*287G>C (NM_001166175.2); c.*133G>C (NM_001166176.2).
Identifiers: ClinVar variation 3778580 (VCV003778580.7).

ClinVar aggregate classification (germline): Likely pathogenic (1 of 4 stars; one submission).

Submission:

CeGaT Center for Human Genetics Tuebingen
Classification: Likely pathogenic. Last evaluated: 2025-04-01. Review status: criteria provided, single submitter. Criteria: CeGaT Center For Human Genetics Tuebingen Variant Classification Criteria Version 2. Collection method: clinical testing. Allele origin: germline. Affected: yes. Observed: 2 variant alleles.
Comment: NKX2-5: PVS1:Strong, PM2, PS1:Supporting